The following is an entry in ClinVar:

ClinVar aggregate classification (germline): Benign. Review status: criteria provided, single submitter (1 of 4 stars). 3 submissions from 1 submitter: Benign (3). Last evaluated 2018-01-12.

Conditions:
Myhre syndrome (MYHRS). Also called: LARYNGOTRACHEAL STENOSIS, ARTHROPATHY, PROGNATHISM, AND SHORT STATURE; LAPS SYNDROME. Identifiers: Orphanet 2588, MedGen C0796081, MONDO:0007688, OMIM 139210.
Juvenile polyposis/hereditary hemorrhagic telangiectasia syndrome (JPHT). Also called: JP/HHT SYNDROME; JUVENILE POLYPOSIS WITH HEREDITARY HEMORRHAGIC TELANGIECTASIA; POLYPOSIS, GENERALIZED JUVENILE, WITH PULMONARY ARTERIOVENOUS MALFORMATION; TELANGIECTASIA, HEREDITARY HEMORRHAGIC, WITH JUVENILE POLYPOSIS COLI; Juvenile Polyposis Syndrome / Hereditary Hemorrhagic Telangiectasia (JPS/HHT). Identifiers: Orphanet 2929, MedGen C1832942, MONDO:0008278, OMIM 175050.
Generalized juvenile polyposis/juvenile polyposis coli. Also called: Juvenile polyposis coli. Identifiers: Orphanet 329971, MedGen C1868081, MONDO:0008276.

Allele frequency attached by ClinVar (database versions not stated): TOPMed 0.00491; gnomAD exomes 0.00612; 1000 Genomes Project 30x 0.01109; 1000 Genomes Project 0.01198.
gnomAD v4.1: 999 of 232,054 alleles (0.43%); highest among the groups gnomAD compares: East Asian, 3.7%; 16 homozygotes.

Submissions (3):

Illumina Laboratory Services, Illumina
Classification: Benign for Juvenile polyposis/hereditary hemorrhagic telangiectasia syndrome. Last evaluated: 2018-01-12. Review status: criteria provided, single submitter. Criteria: ICSL Variant Classification Criteria 13 December 2019. Collection method: clinical testing. Allele origin: germline.
Comment: This variant was observed in the ICSL laboratory as part of a predisposition screen in an ostensibly healthy population. It had not been previously curated by ICSL or reported in the Human Gene Mutation Database (HGMD: prior to June 1st, 2018), and was therefore a candidate for classification through an automated scoring system. Utilizing variant allele frequency, disease prevalence and penetrance estimates, and inheritance mode, an automated score was calculated to assess if this variant is too frequent to cause the disease. Based on the score and internal cut-off values, a variant classified as benign is not then subjected to further curation. The score for this variant resulted in a classification of benign for this disease.

Illumina Laboratory Services, Illumina
Classification: Benign for Juvenile polyposis syndrome. Last evaluated: 2018-01-12. Review status: criteria provided, single submitter. Criteria: ICSL Variant Classification Criteria 13 December 2019. Collection method: clinical testing. Allele origin: germline.
Comment: the same text as in the submission from Illumina Laboratory Services, Illumina above.

Illumina Laboratory Services, Illumina
Classification: Benign for Myhre syndrome. Last evaluated: 2018-01-12. Review status: criteria provided, single submitter. Criteria: ICSL Variant Classification Criteria 13 December 2019. Collection method: clinical testing. Allele origin: germline.
Comment: the same text as in the submission from Illumina Laboratory Services, Illumina above.

NM_005359.6(SMAD4):c.*1866A>G

Gene: SMAD4 (SMAD family member 4; plus strand). Cytogenetic location: 18q21.2.
Variant type: single nucleotide variant.
Coding change: c.*1866A>G on transcript NM_005359.6 (MANE Select); 1866 bases downstream of the stop codon, A replaced by G.
Molecular consequence: 3 prime UTR variant.
Genome position (GRCh38, 1-based): chr18:51,080,333, A>G. VCF-style: chr18-51080333-A-G. GRCh37 (hg19) VCF-style: chr18-48606703-A-G.
Identifiers: ClinVar variation 327135 (VCV000327135.5), dbSNP rs4940037, ClinGen allele CA10641665.